The following is an entry in ClinVar:

NM_170707.4(LMNA):c.784G>A (p.Glu262Lys)

Gene: LMNA (lamin A/C; plus strand). Cytogenetic location: 1q22.
Variant type: single nucleotide variant.
Coding change: c.784G>A on transcript NM_170707.4 (MANE Select); coding-DNA position 784, G replaced by A.
Protein change: p.Glu262Lys; replaces glutamic acid 262 with lysine.
Molecular consequence: missense variant.
Genome position (GRCh38, 1-based): chr1:156,134,949, G>A. VCF-style: chr1-156134949-G-A. GRCh37 (hg19) VCF-style: chr1-156104740-G-A.
Other names: c.784G>A (NM_170707.2); c.448G>A, p.Glu150Lys (NM_001257374.3); c.541G>A, p.Glu181Lys (NM_001282624.2); c.784G>A, p.Glu262Lys (NM_001282625.2, NM_001282626.2, NM_005572.4 and 1 more transcripts); short protein forms E150K, E181K, E262K.
Identifiers: ClinVar variation 1698456 (VCV001698456.2), dbSNP rs397517909, ClinGen allele CA342817401.

ClinVar aggregate classification (germline): Pathogenic/Likely pathogenic. Review status: criteria provided, multiple submitters, no conflicts (2 of 4 stars). 2 submissions from 2 submitters: Pathogenic (1); Likely pathogenic (1). Last evaluated 2026-04-14.

Conditions:
Hutchinson-Gilford syndrome (HGPS). Also called: Hutchinson-Gilford Progeria Syndrome. Identifiers: Orphanet 740, MedGen C0033300, MONDO:0008310, OMIM 176670.

Submissions (2):

GeneDx
Classification: Pathogenic. Last evaluated: 2026-04-14. Review status: criteria provided, single submitter. Criteria: GeneDx Variant Classification Process June 2021. Collection method: clinical testing. Allele origin: germline.
Comment: Not observed at significant frequency in large population cohorts (gnomAD); In silico analysis supports that this missense variant has a deleterious effect on protein structure/function; This variant is associated with the following publications: (PMID: 10939567, 34862408, 24861648, 7498235, 36225129, 33859056)

Suma Genomics
Classification: Likely pathogenic for Hutchinson-Gilford syndrome. Review status: criteria provided, single submitter. Criteria: ACMG Guidelines, 2015. Collection method: clinical testing. Allele origin: de novo. Inheritance: Autosomal dominant inheritance. Affected: yes.